The following is an entry in ClinVar:

NM_017617.5(NOTCH1):c.4309G>A (p.Gly1437Arg)

Gene: NOTCH1 (notch receptor 1; minus strand). Cytogenetic location: 9q34.3.
Variant type: single nucleotide variant.
Coding change: c.4309G>A on transcript NM_017617.5 (MANE Select); coding-DNA position 4309, G replaced by A.
Protein change: p.Gly1437Arg; replaces glycine 1437 with arginine.
Molecular consequence: missense variant.
Genome position (GRCh38, 1-based): chr9:136,505,587, C>T on the plus strand (G>A on the coding strand, the complement: NOTCH1 is on the minus strand). VCF-style: chr9-136505587-C-T. GRCh37 (hg19) VCF-style: chr9-139400039-C-T.
Other names: short protein forms G1437R.
Identifiers: ClinVar variation 1056935 (VCV001056935.21), dbSNP rs780500109, ClinGen allele CA5340650.

ClinVar aggregate classification (germline): Conflicting classifications of pathogenicity. Review status: criteria provided, conflicting classifications (1 of 4 stars). 7 submissions from 6 submitters: Uncertain significance (6); Benign (1). Last evaluated 2026-02-23.

Conditions:
Familial thoracic aortic aneurysm and aortic dissection (TAAD). Also called: Thoracic aortic aneurysms and dissections. Identifiers: Orphanet 91387, MedGen C4707243, MONDO:0019625.
Aortic valve disease 1 (AOVD1). Identifiers: MedGen C3887892, MONDO:0024523, OMIM 109730.
Adams-Oliver syndrome 5 (AOS5). Identifiers: Orphanet 974, MedGen C4014970, MONDO:0014459, OMIM 616028.

Allele frequency attached by ClinVar (database versions not stated): gnomAD 0.00001; gnomAD exomes 0.00002 and 0.00003; ExAC 0.00003; TOPMed 0.00003.
gnomAD v4.1: 42 of 1,610,312 alleles (0.0026%); highest among the groups gnomAD compares: Non-Finnish European, 0.0035%; no homozygotes.

Submissions (7):

Women's Health and Genetics/Laboratory Corporation of America, LabCorp
Classification: Uncertain significance. Last evaluated: 2026-02-23. Review status: criteria provided, single submitter. Criteria: LabCorp Variant Classification Summary - May 2015. Collection method: clinical testing. Allele origin: germline.
Comment: Variant summary: NOTCH1 c.4309G>A (p.Gly1437Arg) results in a non-conservative amino acid change in the encoded protein sequence. Algorithms developed to predict the effect of missense changes on protein structure and function all suggest that this variant is likely to be disruptive. The variant allele was found at a frequency of 2.1e-05 in 241978 control chromosomes. The available data on variant occurrences in the general population are insufficient to allow any conclusion about variant significance. To our knowledge, no occurrence of c.4309G>A in individuals affected with NOTCH1-related conditions and no experimental evidence demonstrating its impact on protein function have been reported. ClinVar contains an entry for this variant (Variation ID: 1056935). Based on the evidence outlined above, the variant was classified as uncertain significance.

Labcorp Genetics (formerly Invitae), Labcorp
Classification: Benign for Adams-Oliver syndrome 5. Last evaluated: 2025-12-03. Review status: criteria provided, single submitter. Criteria: Invitae Variant Classification Sherloc (09022015). Collection method: clinical testing. Allele origin: germline.

Ambry Genetics
Classification: Uncertain significance for Familial thoracic aortic aneurysm and aortic dissection. Last evaluated: 2024-10-31. Review status: criteria provided, single submitter. Criteria: Ambry Variant Classification Scheme 2023. Collection method: clinical testing. Allele origin: germline.

ARUP Laboratories, Molecular Genetics and Genomics, ARUP Laboratories
Classification: Uncertain significance. Last evaluated: 2024-03-27. Review status: criteria provided, single submitter. Criteria: ARUP Molecular Germline Variant Investigation Process 2024. Collection method: clinical testing. Allele origin: germline.
Comment: The NOTCH1 c.4309G>A p.Gly1437Arg variant (rs780500109), to our knowledge, is not reported in the medical literature but is reported in ClinVar (Variation ID: 1056935). This variant is only observed on six alleles in the Genome Aggregation Database (v2.1.1), indicating it is not a common polymorphism. Computational analyses are uncertain whether this variant is neutral or deleterious (REVEL: 0.581). Due to limited information, the clinical significance of this variant is uncertain at this time.

GeneDx
Classification: Uncertain significance. Last evaluated: 2023-05-01. Review status: criteria provided, single submitter. Criteria: GeneDx Variant Classification Process June 2021. Collection method: clinical testing. Allele origin: germline. Affected: yes.
Comment: In silico analysis supports that this missense variant has a deleterious effect on protein structure/function; Has not been previously published as pathogenic or benign to our knowledge

Genome-Nilou Lab
Classification: Uncertain significance for Adams-Oliver syndrome 5. Last evaluated: 2022-03-15. Review status: criteria provided, single submitter. Criteria: ACMG Guidelines, 2015. Collection method: clinical testing. Allele origin: germline. Affected: no.

Genome-Nilou Lab
Classification: Uncertain significance for Aortic valve disease 1. Last evaluated: 2022-03-15. Review status: criteria provided, single submitter. Criteria: ACMG Guidelines, 2015. Collection method: clinical testing. Allele origin: germline. Affected: no.